The following is an entry in ClinVar:

ClinVar aggregate classification (germline): Pathogenic (1 of 4 stars; one submission).

Submission:

Labcorp Genetics (formerly Invitae), Labcorp
Classification: Pathogenic. Last evaluated: 2024-02-01. Review status: criteria provided, single submitter. Criteria: Invitae Variant Classification Sherloc (09022015). Collection method: clinical testing. Allele origin: germline.
Comment: This sequence change creates a premature translational stop signal (p.Thr913Serfs*8) in the PCDH15 gene. It is expected to result in an absent or disrupted protein product. Loss-of-function variants in PCDH15 are known to be pathogenic (PMID: 11398101, 11487575, 14570705). This variant is not present in population databases (gnomAD no frequency). This variant has not been reported in the literature in individuals affected with PCDH15-related conditions. For these reasons, this variant has been classified as Pathogenic.

Literature cited by the submitters: PubMed 11398101; PubMed 11487575; PubMed 14570705.

NM_001384140.1(PCDH15):c.2738_2739del (p.Thr913fs)

Gene: PCDH15 (protocadherin related 15; minus strand). Cytogenetic location: 10q21.1.
Variant type: Microsatellite.
Coding change: c.2738_2739del on transcript NM_001384140.1 (MANE Select); coding-DNA positions 2738 to 2739, 2 bases deleted (CA; older notation c.2738_2739delCA).
Protein change: p.Thr913fs; shifts the reading frame from threonine 913.
Molecular consequence: frameshift variant.
Genome position (GRCh38, 1-based): chr10:54,020,204-54,020,205, TG deleted on the plus strand (CA on the coding strand, the reverse complement: PCDH15 is on the minus strand); deleting any 2 consecutive bases within chr10:54,020,204-54,020,207 gives the same sequence; the c. name uses the placement nearest the transcript's 3' end. VCF-style (leftmost placement, unchanged base first): chr10-54020203-CTG-C. GRCh37 (hg19) VCF-style: chr10-55779963-CTG-C.
Other names: c.2753_2754del, p.Thr918fs (NM_001142763.2, NM_001142771.2); c.2738_2739del, p.Thr913fs (NM_001142764.2, NM_001142766.2, NM_001142770.3 and 5 more transcripts); c.2525_2526del, p.Thr842fs (NM_001142765.2); c.2627_2628del, p.Thr876fs (NM_001142767.2); c.2672_2673del, p.Thr891fs (NM_001142768.2, NM_001142773.2, NM_001354404.2); c.2772_2773CA[1], p.Thr925Serfs (NM_001142769.4); c.2759_2760del, p.Thr920fs (NM_001354411.2); short protein forms T842fs, T891fs, T920fs, T918fs, T876fs, T913fs, T925fs.
Identifiers: ClinVar variation 3637984 (VCV003637984.2).